The following is an entry in ClinVar:

ClinVar aggregate classification (germline): Likely benign (1 of 4 stars; one submission).

gnomAD v4.1: 68 of 1,599,360 alleles (0.0043%); highest among the groups gnomAD compares: South Asian, 0.0091%; no homozygotes.

Submission:

CeGaT Center for Human Genetics Tuebingen
Classification: Likely benign. Last evaluated: 2026-07-01. Review status: criteria provided, single submitter. Criteria: CeGaT Center For Human Genetics Tuebingen Variant Classification Criteria Version 2. Collection method: clinical testing. Allele origin: germline. Affected: yes. Observed: 1 variant allele.
Comment: ZFHX3: BP4, BP7

NM_006885.4(ZFHX3):c.5322C>T (p.Pro1774=)

Genes: ZFHX3 (zinc finger homeobox 3; minus strand), ZFHX3-AS1 (ZFHX3 antisense RNA 1; plus strand). Cytogenetic location: 16q22.2.
Variant type: single nucleotide variant.
Coding change: c.5322C>T on transcript NM_006885.4 (MANE Select); coding-DNA position 5322, C replaced by T.
Protein change: p.Pro1774=; no amino-acid change (proline 1774 retained).
Molecular consequence: synonymous variant.
Genome position (GRCh38, 1-based): chr16:72,797,360, G>A on the plus strand (C>T on the coding strand, the complement: ZFHX3 is on the minus strand). VCF-style: chr16-72797360-G-A. GRCh37 (hg19) VCF-style: chr16-72831259-G-A.
Other names: c.2580C>T, p.Pro860= (NM_001164766.2); c.5322C>T, p.Pro1774= (NM_001386735.1).
Identifiers: ClinVar variation 5038904 (VCV005038904.1).
Genomic context (GRCh38, chr16:72,797,360, plus strand): 5'-CTGCTGCTGCTGTAGTTGCAGCAGGGTCTCAGTTGTCATGGGGAAGTGAGGAAGGAGGGT[G>A]GGGTTAAACAGCTGAGACTGGATCAGGGCAGCCTGTTGCTGCAGCTCCTGCTGCAGGTGA-3'
Protein context (NP_008816.3, residues 1764-1784): AALIQSQLFN[Pro1774=]TLLPHFPMTT